The following is an entry in ClinVar:

ClinVar aggregate classification (germline): Uncertain significance (1 of 4 stars; one submission).

Submission:

CeGaT Center for Human Genetics Tuebingen
Classification: Uncertain significance. Last evaluated: 2025-07-01. Review status: criteria provided, single submitter. Criteria: CeGaT Center For Human Genetics Tuebingen Variant Classification Criteria Version 2. Collection method: clinical testing. Allele origin: germline. Affected: yes. Observed: 1 variant allele.
Comment: UNC13A: PM2, PP2

NM_001080421.3(UNC13A):c.1918G>A (p.Glu640Lys)

Gene: UNC13A (unc-13 homolog A; minus strand). Cytogenetic location: 19p13.11.
Variant type: single nucleotide variant.
Coding change: c.1918G>A on transcript NM_001080421.3 (MANE Select); coding-DNA position 1918, G replaced by A.
Protein change: p.Glu640Lys; replaces glutamic acid 640 with lysine.
Molecular consequence: missense variant.
Genome position (GRCh38, 1-based): chr19:17,647,391, C>T on the plus strand (G>A on the coding strand, the complement: UNC13A is on the minus strand). VCF-style: chr19-17647391-C-T. GRCh37 (hg19) VCF-style: chr19-17758200-C-T.
Other names: c.1912G>A, p.Glu638Lys (NM_001387021.1, NM_001387022.1, NM_001387023.1); short protein forms E638K, E640K.
Identifiers: ClinVar variation 4085372 (VCV004085372.8).